The following is an entry in ClinVar:

ClinVar aggregate classification (germline): Benign. Review status: criteria provided, multiple submitters, no conflicts (2 of 4 stars). 3 submissions from 3 submitters: Benign (3). Last evaluated 2026-02-04.

Allele frequency attached by ClinVar (database versions not stated): gnomAD 0.43581 and 0.43493; 1000 Genomes Project 0.31510; 1000 Genomes Project 30x 0.31964; TOPMed 0.32773; ESP Exome Variant Server 0.33033; gnomAD exomes 0.39273; ExAC 0.40514.
gnomAD v4.1: 527,857 of 1,464,326 alleles (36%); highest among the groups gnomAD compares: Middle Eastern, 45%; 96,230 homozygotes.

Submissions (3):

Labcorp Genetics (formerly Invitae), Labcorp
Classification: Benign. Last evaluated: 2026-02-04. Review status: criteria provided, single submitter. Criteria: Invitae Variant Classification Sherloc (09022015). Collection method: clinical testing. Allele origin: germline.

Laboratory for Molecular Medicine, Mass General Brigham Personalized Medicine
Classification: Benign. Last evaluated: 2016-03-29. Review status: criteria provided, single submitter. Criteria: LMM Criteria. Collection method: clinical testing. Allele origin: germline.
Comment: Variant identified in a genome or exome case(s) and assessed due to predicted null impact of the variant or pathogenic assertions in the literature or databases. Disclaimer: This variant has not undergone full assessment. The following are preliminary notes: Frequency

Breakthrough Genomics
Classification: Benign. Review status: criteria provided, single submitter. Criteria: ACMG Guidelines, 2015. Collection method: not provided. Allele origin: germline. Inheritance: Autosomal recessive inheritance. Affected: yes.

NM_152327.5(AK7):c.948+12C>T

Gene: AK7 (adenylate kinase 7; plus strand). Cytogenetic location: 14q32.2.
Variant type: single nucleotide variant.
Coding change: c.948+12C>T on transcript NM_152327.5 (MANE Select); 12 bases into the intron after coding-DNA position 948, C replaced by T.
Molecular consequence: intron variant.
Genome position (GRCh38, 1-based): chr14:96,449,891, C>T. VCF-style: chr14-96449891-C-T. GRCh37 (hg19) VCF-style: chr14-96916228-C-T.
Other names: c.948+12C>T (NM_001350888.2, NM_001350890.2, NM_001350892.2); c.871-1530C>T (NM_001350891.2).
Identifiers: ClinVar variation 402361 (VCV000402361.14), dbSNP rs10444759, ClinGen allele CA7337682.